The following is an entry in ClinVar:

ClinVar aggregate classification (germline): Pathogenic (1 of 4 stars; one submission).

Conditions:
Marfan syndrome (MFS). Also called: Marfan syndrome type 1; Marfan's syndrome; FBN1-Related Marfan Syndrome; MARFAN SYNDROME, TYPE I; Marfan syndrome, classic. Identifiers: Orphanet 284963, Orphanet 558, MedGen C0024796, MONDO:0007947, OMIM 154700.
Familial thoracic aortic aneurysm and aortic dissection (TAAD). Also called: Thoracic aortic aneurysms and dissections. Identifiers: Orphanet 91387, MedGen C4707243, MONDO:0019625.

Submission:

Labcorp Genetics (formerly Invitae), Labcorp
Classification: Pathogenic for Marfan syndrome; Familial thoracic aortic aneurysm and aortic dissection. Last evaluated: 2022-03-23. Review status: criteria provided, single submitter. Criteria: Invitae Variant Classification Sherloc (09022015). Collection method: clinical testing. Allele origin: germline.
Comment: For these reasons, this variant has been classified as Pathogenic. This variant has not been reported in the literature in individuals affected with FBN1-related conditions. This variant is not present in population databases (gnomAD no frequency). This sequence change creates a premature translational stop signal (p.Cys2038Phefs*21) in the FBN1 gene. It is expected to result in an absent or disrupted protein product. Loss-of-function variants in FBN1 are known to be pathogenic (PMID: 17657824, 19293843).

Literature cited by the submitters: PubMed 17657824; PubMed 19293843.

NM_000138.5(FBN1):c.6113del (p.Cys2038fs)

Gene: FBN1 (fibrillin 1; minus strand). Cytogenetic location: 15q21.1.
Variant type: Deletion.
Coding change: c.6113del on transcript NM_000138.5 (MANE Select); coding-DNA position 6113, one base deleted (G; older notation c.6113delG).
Protein change: p.Cys2038fs; shifts the reading frame from cysteine 2038.
Molecular consequence: frameshift variant.
Genome position (GRCh38, 1-based): chr15:48,441,771, C deleted on the plus strand (G on the coding strand, the reverse complement: FBN1 is on the minus strand). VCF-style (leftmost placement, unchanged base first): chr15-48441770-AC-A. GRCh37 (hg19) VCF-style: chr15-48733967-AC-A.
Other names: short protein forms C2038fs.
Identifiers: ClinVar variation 1404071 (VCV001404071.6), dbSNP rs2141245408, ClinGen allele CA2573150944.